The following is an entry in ClinVar:

ClinVar aggregate classification (germline): Pathogenic (1 of 4 stars; one submission).

Conditions:
Refsum disease, classic. Also called: HEREDOPATHIA ATACTICA POLYNEURITIFORMIS; HMSN IV; PHYTANIC ACID OXIDASE DEFICIENCY; PHYH-Related Refsum Disease. Identifiers: Orphanet 773, MedGen C5780941, MONDO:1060256, OMIM 266500. Disease mechanism: loss of function.

Submission:

Myriad Genetics, Inc.
Classification: Pathogenic for Refsum disease, classic. Last evaluated: 2023-09-27. Review status: criteria provided, single submitter. Criteria: Myriad Autosomal Dominant, Autosomal Recessive and X-Linked Classification Criteria (2023). Collection method: clinical testing. Allele origin: unknown.
Comment: NM_006214.3(PHYH):c.488dupC(D164Rfs*67) is expected to be pathogenic in the context of Refsum disease, PHYH-related. This variant is predicted to lead to an abnormal or absent protein product due to the creation of a premature termination codon in PHYH, a gene where loss-of-function variants are known to be pathogenic. Please note: this variant was assessed in the context of healthy population screening.

NM_006214.4(PHYH):c.488dup (p.Asp164fs)

Gene: PHYH (phytanoyl-CoA 2-hydroxylase; minus strand). Cytogenetic location: 10p13.
Variant type: Duplication.
Coding change: c.488dup on transcript NM_006214.4 (MANE Select); coding-DNA position 488, one base duplicated (C; older notation c.488dupC).
Protein change: p.Asp164fs; shifts the reading frame from aspartic acid 164.
Molecular consequence: frameshift variant. On other transcripts: intron variant (1).
Genome position (GRCh38, 1-based): chr10:13,291,839, G duplicated on the plus strand (C on the coding strand, the reverse complement: PHYH is on the minus strand); the first of 2 consecutive G bases (chr10:13,291,839-13,291,840); duplicating either gives the same sequence. VCF-style (leftmost placement, unchanged base first): chr10-13291838-T-TG. GRCh37 (hg19) VCF-style: chr10-13333838-T-TG.
Other names: c.188dup, p.Asp64fs (NM_001037537.2, NM_001323080.2, NM_001323084.2); c.488dup, p.Asp164fs (NM_001323082.2); c.414+2589dup (NM_001323083.2); short protein forms D164fs, D64fs.
Identifiers: ClinVar variation 5012287 (VCV005012287.1).